The following is an entry in ClinVar:

ClinVar aggregate classification (germline): Uncertain significance (1 of 4 stars; one submission).

gnomAD v4.1: 12 of 1,614,148 alleles (0.00074%); highest among the groups gnomAD compares: Non-Finnish European, 0.001%; no homozygotes.

Submission:

Labcorp Genetics (formerly Invitae), Labcorp
Classification: Uncertain significance. Last evaluated: 2022-06-05. Review status: criteria provided, single submitter. Criteria: Invitae Variant Classification Sherloc (09022015). Collection method: clinical testing. Allele origin: germline.
Comment: Algorithms developed to predict the effect of missense changes on protein structure and function are either unavailable or do not agree on the potential impact of this missense change (SIFT: "Deleterious"; PolyPhen-2: "Benign"; Align-GVGD: "Class C15"). This sequence change replaces serine, which is neutral and polar, with cysteine, which is neutral and slightly polar, at codon 276 of the KARS protein (p.Ser276Cys). This variant is not present in population databases (gnomAD no frequency). This variant has not been reported in the literature in individuals affected with KARS-related conditions. Algorithms developed to predict the effect of sequence changes on RNA splicing suggest that this variant may create or strengthen a splice site. In summary, the available evidence is currently insufficient to determine the role of this variant in disease. Therefore, it has been classified as a Variant of Uncertain Significance.

NM_005548.3(KARS1):c.743C>G (p.Ser248Cys)

Gene: KARS1 (lysyl-tRNA synthetase 1; minus strand). Cytogenetic location: 16q23.1.
Variant type: single nucleotide variant.
Coding change: c.743C>G on transcript NM_005548.3 (MANE Select); coding-DNA position 743, C replaced by G.
Protein change: p.Ser248Cys; replaces serine 248 with cysteine.
Molecular consequence: missense variant.
Genome position (GRCh38, 1-based): chr16:75,635,732, G>C on the plus strand (C>G on the coding strand, the complement: KARS1 is on the minus strand). VCF-style: chr16-75635732-G-C. GRCh37 (hg19) VCF-style: chr16-75669630-G-C.
Other names: c.827C>G, p.Ser276Cys (NM_001130089.2); c.275C>G, p.Ser92Cys (NM_001378148.1); short protein forms S248C, S276C, S92C.
Identifiers: ClinVar variation 1682437 (VCV001682437.6), dbSNP rs1202598972, ClinGen allele CA396813376.